The following is an entry in ClinVar:

ClinVar aggregate classification (germline): Pathogenic (1 of 4 stars; one submission).

Conditions:
Primary dilated cardiomyopathy (DCM). Also called: Dilated Cardiomyopathy. Identifiers: Orphanet 217604, MedGen C0007193, MeSH D002311, MONDO:0005021, HP:0001644. Inheritance: Various modes of inheritance.

gnomAD v4.1: 1 of 1,614,018 alleles (0.000062%); highest among the groups gnomAD compares: Non-Finnish European, 0.000085%; no homozygotes.

Submission:

Victorian Clinical Genetics Services, Murdoch Childrens Research Institute
Classification: Pathogenic for Primary dilated cardiomyopathy. Last evaluated: 2024-09-22. Review status: criteria provided, single submitter. Criteria: ACMG Guidelines, 2015. Collection method: clinical testing. Allele origin: germline. Inheritance: Autosomal dominant inheritance. Affected: yes.
Comment: Based on the classification scheme VCGS_Germline_v1.3.4, this variant is classified as Pathogenic. Following criteria are met: 0102 - Loss of function is a known mechanism of disease in this gene and is associated with arrhythmogenic right ventricular dysplasia 8 (MIM#607450) and other DSP-related cardiac disorders. (I) 0108 - This gene is associated with both recessive and dominant disease. Variants in this gene are usually inherited in a dominant manner, however rare reports of recessive inheritance have resulted in a more severe cardiac phenotype (OMIM). (I) 0112 - The condition associated with this gene has incomplete penetrance. In families with cardiomyopathies, reduced penetrance has been reported among family members aged 60-86 years (PMID: 36580316). (I) 0115 - Variants in this gene are known to have variable expressivity. Age-dependent penetrance and variable expressivity are well-described aspects of arrhythmogenic cardiomyopathy (PMID: 29062697). (I) 0201 - Variant is predicted to cause nonsense-mediated decay (NMD) and loss of protein (premature termination codon is located at least 54 nucleotides upstream of the final exon-exon junction). (SP) 0251 - This variant is heterozygous. (I) 0301 - Variant is absent from gnomAD (both v2 and v3). (SP) 0701 - Many other NMD-predicted variants comparable to the one identified in this case have very strong previous evidence for pathogenicity (DECIPHER). (SP) 0802 - This variant has moderate previous evidence of pathogenicity in unrelated individuals. This variant has been identified in many individuals with DSP-related cardiac disorders and cutaneous symptoms (PMID: 30382575, 28527814, 31983221, 27532257). (I) Legend: (SP) - Supporting pathogenic, (I) - Information, (SB) - Supporting benign

Literature cited by the submitters: PubMed 27532257; PubMed 28527814; PubMed 29062697; PubMed 30382575; PubMed 31983221; PubMed 36580316.

NM_004415.4(DSP):c.4477G>T (p.Glu1493Ter)

Gene: DSP (desmoplakin; plus strand). Cytogenetic location: 6p24.3.
Variant type: single nucleotide variant.
Coding change: c.4477G>T on transcript NM_004415.4 (MANE Select); coding-DNA position 4477, G replaced by T.
Protein change: p.Glu1493Ter; replaces glutamic acid 1493 with a stop codon.
Molecular consequence: nonsense. On other transcripts: intron variant (2).
Genome position (GRCh38, 1-based): chr6:7,580,667, G>T. VCF-style: chr6-7580667-G-T. GRCh37 (hg19) VCF-style: chr6-7580900-G-T.
Other names: c.4050+427G>T (NM_001319034.2); c.3582+895G>T (NM_001008844.3); short protein forms E1493*.
Identifiers: ClinVar variation 3376837 (VCV003376837.1).